The following is an entry in ClinVar:

NM_004795.4(KL):c.1178A>G (p.Asn393Ser)

Gene: KL (klotho; plus strand). Cytogenetic location: 13q13.1.
Variant type: single nucleotide variant.
Coding change: c.1178A>G on transcript NM_004795.4 (MANE Select); coding-DNA position 1178, A replaced by G.
Protein change: p.Asn393Ser; replaces asparagine 393 with serine.
Molecular consequence: missense variant.
Genome position (GRCh38, 1-based): chr13:33,054,125, A>G. VCF-style: chr13-33054125-A-G. GRCh37 (hg19) VCF-style: chr13-33628262-A-G.
Other names: short protein forms N393S.
Identifiers: ClinVar variation 2798696 (VCV002798696.3), dbSNP rs368060591, ClinGen allele CA6944053.
Genomic context (GRCh38, chr13:33,054,125, plus strand): 5'-CCACCTTGAGTTTTCAACTTTTGGACCCTCACATGAAGTTCCGCCAATTGGAATCTCCCA[A>G]CCTGAGGCAACTGCTTTCCTGGATTGACCTTGAATTTAACCATCCTCAAATATTTATTGT-3'
Protein context (NP_004786.2, residues 383-403): HMKFRQLESP[Asn393Ser]LRQLLSWIDL

ClinVar aggregate classification (germline): Uncertain significance (1 of 4 stars; one submission).

Allele frequency attached by ClinVar (database versions not stated): gnomAD exomes below 0.00001; gnomAD 0.00001; TOPMed 0.00001; ExAC 0.00002; ESP Exome Variant Server 0.00008.

Submission:

Labcorp Genetics (formerly Invitae), Labcorp
Classification: Uncertain significance. Last evaluated: 2023-06-20. Review status: criteria provided, single submitter. Criteria: Invitae Variant Classification Sherloc (09022015). Collection method: clinical testing. Allele origin: germline.
Comment: In summary, the available evidence is currently insufficient to determine the role of this variant in disease. Therefore, it has been classified as a Variant of Uncertain Significance. Advanced modeling of protein sequence and biophysical properties (such as structural, functional, and spatial information, amino acid conservation, physicochemical variation, residue mobility, and thermodynamic stability) performed at Invitae indicates that this missense variant is not expected to disrupt KL protein function. This variant has not been reported in the literature in individuals affected with KL-related conditions. This variant is present in population databases (rs368060591, gnomAD 0.003%). This sequence change replaces asparagine, which is neutral and polar, with serine, which is neutral and polar, at codon 393 of the KL protein (p.Asn393Ser).